The following is an entry in ClinVar:

NM_014681.6(DHX34):c.1040C>T (p.Ala347Val)

Gene: DHX34 (DExH-box helicase 34; plus strand). Cytogenetic location: 19q13.32.
Variant type: single nucleotide variant.
Coding change: c.1040C>T on transcript NM_014681.6 (MANE Select); coding-DNA position 1040, C replaced by T.
Protein change: p.Ala347Val; replaces alanine 347 with valine.
Molecular consequence: missense variant.
Genome position (GRCh38, 1-based): chr19:47,357,888, C>T. VCF-style: chr19-47357888-C-T. GRCh37 (hg19) VCF-style: chr19-47861145-C-T.
Other names: short protein forms A347V.
Identifiers: ClinVar variation 3602719 (VCV003602719.1).

ClinVar aggregate classification (germline): Uncertain significance (1 of 4 stars; one submission).

Conditions:
Predisposition to thrombocytopenia.

gnomAD v4.1: 320 of 1,613,560 alleles (0.02%); highest among the groups gnomAD compares: African/African-American, 0.37%; no homozygotes.

Submission:

St. Jude Molecular Pathology, St. Jude Children's Research Hospital
Classification: Uncertain significance for Predisposition to thrombocytopenia. Last evaluated: 2024-09-19. Review status: criteria provided, single submitter. Criteria: St. Jude Assertion Criteria 2020. Collection method: clinical testing. Allele origin: germline.
Comment: The DHX34 c.1040C>T (p.Ala347Val) change has a maximum subpopulation frequency of 0.34% in gnomAD v2.1.1. The in silico tool REVEL predicts a benign effect on protein function, and to our knowledge, functional studies have not been performed. To our knowledge, this variant has not been reported in individuals with DHX34-associated thrombocytopenia. In summary, the evidence currently available is insufficient to determine the clinical significance of this variant. It has therefore been classified as of uncertain significance.